The following is an entry in ClinVar:

ClinVar aggregate classification (germline): Uncertain significance (1 of 4 stars; one submission).

Allele frequency attached by ClinVar (database versions not stated): gnomAD exomes below 0.00001; ExAC 0.00001; ESP Exome Variant Server 0.00008.
gnomAD v4.1: 4 of 1,604,024 alleles (0.00025%); highest among the groups gnomAD compares: Non-Finnish European, 0.00034%; no homozygotes.

Submission:

Ambry Genetics
Classification: Uncertain significance. Last evaluated: 2022-02-14. Review status: criteria provided, single submitter. Criteria: Ambry Variant Classification Scheme 2023. Collection method: clinical testing. Allele origin: germline.
Comment: The p.P792S variant (also known as c.2374C>T), located in coding exon 23 of the RASA2 gene, results from a C to T substitution at nucleotide position 2374. The proline at codon 792 is replaced by serine, an amino acid with similar properties. This amino acid position is conserved. In addition, this alteration is predicted to be tolerated by in silico analysis. Since supporting evidence is limited at this time, the clinical significance of this alteration remains unclear.

NM_006506.5(RASA2):c.2374C>T (p.Pro792Ser)

Gene: RASA2 (RAS p21 protein activator 2; plus strand). Cytogenetic location: 3q23.
Variant type: single nucleotide variant.
Coding change: c.2374C>T on transcript NM_006506.5 (MANE Select); coding-DNA position 2374, C replaced by T.
Protein change: p.Pro792Ser; replaces proline 792 with serine.
Molecular consequence: missense variant.
Genome position (GRCh38, 1-based): chr3:141,609,921, C>T. VCF-style: chr3-141609921-C-T. GRCh37 (hg19) VCF-style: chr3-141328763-C-T.
Other names: c.2377C>T, p.Pro793Ser (NM_001303245.3); c.2386C>T, p.Pro796Ser (NM_001303246.3); short protein forms P792S, P793S, P796S.
Identifiers: ClinVar variation 1790335 (VCV001790335.2), dbSNP rs370350820, ClinGen allele CA2645833.